The following is an entry in ClinVar:

ClinVar aggregate classification (germline): Uncertain significance. Review status: criteria provided, multiple submitters, no conflicts (2 of 4 stars). 2 submissions from 2 submitters: Uncertain significance (2). Last evaluated 2022-11-14.

Conditions:
Pitt-Hopkins-like syndrome 2 (PTHSL2). Identifiers: Orphanet 221150, Orphanet 600663, MedGen C3280479, MONDO:0013690, OMIM 614325.

Allele frequency attached by ClinVar (database versions not stated): gnomAD exomes below 0.00001.
gnomAD v4.1: 4 of 1,613,896 alleles (0.00025%); highest among the groups gnomAD compares: Non-Finnish European, 0.00034%; no homozygotes.

Submissions (2):

Labcorp Genetics (formerly Invitae), Labcorp
Classification: Uncertain significance for Pitt-Hopkins-like syndrome 2. Last evaluated: 2022-11-14. Review status: criteria provided, single submitter. Criteria: Invitae Variant Classification Sherloc (09022015). Collection method: clinical testing. Allele origin: germline.
Comment: This sequence change replaces valine, which is neutral and non-polar, with alanine, which is neutral and non-polar, at codon 702 of the NRXN1 protein (p.Val702Ala). This variant is not present in population databases (gnomAD no frequency). This variant has not been reported in the literature in individuals affected with NRXN1-related conditions. ClinVar contains an entry for this variant (Variation ID: 1318786). Algorithms developed to predict the effect of missense changes on protein structure and function (SIFT, PolyPhen-2, Align-GVGD) all suggest that this variant is likely to be tolerated. In summary, the available evidence is currently insufficient to determine the role of this variant in disease. Therefore, it has been classified as a Variant of Uncertain Significance.

GeneDx
Classification: Uncertain significance. Last evaluated: 2020-01-24. Review status: criteria provided, single submitter. Criteria: GeneDx Variant Classification Process June 2021. Collection method: clinical testing. Allele origin: germline. Affected: yes.
Comment: Not observed in large population cohorts (Lek et al., 2016); In silico analysis, which includes protein predictors and evolutionary conservation, supports that this variant does not alter protein structure/function; Has not been previously published as pathogenic or benign to our knowledge

NM_001330078.2(NRXN1):c.1985T>C (p.Val662Ala)

Gene: NRXN1 (neurexin 1; minus strand). Cytogenetic location: 2p16.3.
Variant type: single nucleotide variant.
Coding change: c.1985T>C on transcript NM_001330078.2 (MANE Select); coding-DNA position 1985, T replaced by C.
Protein change: p.Val662Ala; replaces valine 662 with alanine.
Molecular consequence: missense variant.
Genome position (GRCh38, 1-based): chr2:50,538,411, A>G on the plus strand (T>C on the coding strand, the complement: NRXN1 is on the minus strand). VCF-style: chr2-50538411-A-G. GRCh37 (hg19) VCF-style: chr2-50765549-A-G.
Other names: c.2105T>C, p.Val702Ala (NM_001135659.3); c.1961T>C, p.Val654Ala (NM_001330077.2, NM_001330082.2, NM_001330095.2); c.1946T>C, p.Val649Ala (NM_001330083.2, NM_001330084.2); c.1985T>C, p.Val662Ala (NM_001330085.2, NM_001330086.2, NM_004801.6); c.1901T>C, p.Val634Ala (NM_001330087.2, NM_001330096.2); c.1931T>C, p.Val644Ala (NM_001330088.2); c.1982T>C, p.Val661Ala (NM_001330093.2); c.1973T>C, p.Val658Ala (NM_001330094.2); short protein forms V634A, V644A, V649A, V654A, V658A, V661A, V662A, V702A.
Identifiers: ClinVar variation 1318786 (VCV001318786.5), dbSNP rs2105259448, ClinGen allele CA346770693.